The following is an entry in ClinVar:

NM_173495.3(PTCHD1):c.1276G>C (p.Val426Leu)

Gene: PTCHD1 (patched domain containing 1; plus strand). Cytogenetic location: Xp22.11.
Variant type: single nucleotide variant.
Coding change: c.1276G>C on transcript NM_173495.3 (MANE Select); coding-DNA position 1276, G replaced by C.
Protein change: p.Val426Leu; replaces valine 426 with leucine.
Molecular consequence: missense variant.
Genome position (GRCh38, 1-based): chrX:23,392,794, G>C. VCF-style: chrX-23392794-G-C. GRCh37 (hg19) VCF-style: chrX-23410911-G-C.
Other names: short protein forms V426L.
Identifiers: ClinVar variation 4539868 (VCV004539868.2).

ClinVar aggregate classification (germline): Uncertain significance. Review status: criteria provided, multiple submitters, no conflicts (2 of 4 stars). 2 submissions from 2 submitters: Uncertain significance (2). Last evaluated 2026-04-22.

Conditions:
Inborn genetic diseases. Identifiers: MedGen C0950123, MeSH D030342.

Submissions (2):

Ambry Genetics
Classification: Uncertain significance for Inborn genetic diseases. Last evaluated: 2026-04-22. Review status: criteria provided, single submitter. Criteria: Ambry Variant Classification Scheme 2023. Collection method: clinical testing. Allele origin: germline.

GeneDx
Classification: Uncertain significance. Last evaluated: 2025-06-27. Review status: criteria provided, single submitter. Criteria: GeneDx Variant Classification Process June 2021. Collection method: clinical testing. Allele origin: germline. Affected: yes.
Comment: Not observed at significant frequency in large population cohorts (gnomAD); In silico analysis suggests that this missense variant does not alter protein structure/function; Has not been previously published as pathogenic or benign to our knowledge